The following is an entry in ClinVar:

NC_012920.1(MT-ATP6):m.8989G>C

Gene: MT-ATP6 (mitochondrially encoded ATP synthase 6; plus strand).
Variant type: single nucleotide variant.
Genome position: chrM-8989-G-C.
Identifiers: ClinVar variation 155893 (VCV000155893.3), dbSNP rs587776444, ClinGen allele CA345922.

ClinVar aggregate classification (germline): Uncertain significance. Review status: reviewed by expert panel (3 of 4 stars). 2 submissions from 2 submitters: Uncertain significance (1). 1 of the submissions does not count toward it. Last evaluated 2024-08-27.

Conditions:
Mitochondrial disease. Also called: Mitochondrial disorder; Mitochondrial disorders. Identifiers: Orphanet 68380, MedGen C0751651, MeSH D028361, MONDO:0044970.
Leigh syndrome (NULS). Also called: Leigh's necrotizing encephalopathy; Leigh's disease; Leigh Disease; Subacute necrotizing encephalopathy; Necrotizing encephalopathy infantile subacute of Leigh; LEIGH SYNDROME, NUCLEAR. Identifiers: Orphanet 506, MedGen C2931891, MONDO:0009723, OMIM 256000.

Submissions (2):

ClinGen Mitochondrial Disease Nuclear and Mitochondrial  Variant Curation Expert Panel, ClinGen
Classification: Uncertain significance for Mitochondrial disease. Last evaluated: 2024-08-27. Review status: reviewed by expert panel. Criteria: clingen mito disease acmg specifications v1-1. Collection method: curation. Allele origin: germline. Inheritance: Mitochondrial inheritance.
Comment: Brain imaging showed cerebellar atrophy. Complex V activity was reduced in muscle. The variant was present in the proband at 94% heteroplasmy in urine, 92% in muscle, 88% in buccal mucosa, and 33% in blood. The variant was undetectable in blood from the healthy mother (PM6_supporting, PMID: 23266623). This variant is absent in the MITOMAP GenBank dataset, gnomAD v3.1.2, and the Helix dataset (PM2_supporting). The computational predictor APOGEE gives a consensus rating of pathogenic with a score of 0.895 (Min=0, Max=1), which predicts a damaging effect on gene function (PP3). There are no cybrids, single fiber studies, or other functional assays reported on this variant. In summary, this variant meets criteria to be classified as uncertain significance for primary mitochondrial disease inherited in a mitochondrial manner. This classification was approved by the NICHD/NINDS U24 ClinGen Mitochondrial Disease Variant Curation Expert Panel on August 27, 2024. Mitochondrial DNA-specific ACMG/AMP criteria applied (PMID: 32906214): PM6_supporting, PM2_supporting, PP3.

GeneReviews
No classification provided. Condition: Leigh syndrome. Review status: no classification provided. Collection method: literature only. Allele origin: germline. Affected: yes. Not counted in ClinVar's aggregate classification.

Literature cited by the submitters: PubMed 23266623 (cited by GeneReviews).